The following is an entry in ClinVar:

ClinVar aggregate classification (germline): Pathogenic. Review status: criteria provided, multiple submitters, no conflicts (2 of 4 stars). 2 submissions from 2 submitters: Pathogenic (2). Last evaluated 2026-09-08.

Conditions:
Fabry disease. Also called: Fabry's disease; ALPHA-GALACTOSIDASE A DEFICIENCY; ANDERSON-FABRY DISEASE; CERAMIDE TRIHEXOSIDASE DEFICIENCY; GLA DEFICIENCY; HEREDITARY DYSTOPIC LIPIDOSIS. Identifiers: Orphanet 324, MedGen C0002986, MONDO:0010526, OMIM 301500, HP:0001071. Disease mechanism: Fabry disease is due to inactivating mutations in the X-linked GLA gene resulting in deficiency of the enzyme Alpha Galactosidase-A., loss of function.

Submissions (2):

Genomenon, Inc
Classification: Pathogenic for Fabry disease. Last evaluated: 2026-09-08. Review status: criteria provided, single submitter. Criteria: Genomenon Sequence Variant Interpretation Standards - Updated. Collection method: curation. Allele origin: germline. Affected: yes.
Comment: GLA p.Leu311Phe (c.931C>T) is a missense variant that changes the amino acid at codon 311 from Leucine to Phenylalanine. This variant has been observed in at least one proband with clinical features consistent with Fabry disease (PMID:18387337;39609713;40692291). The variant was found to segregate with disease in at least one affected family (PMID:40692291). At least one functional study has demonstrated a substantial alteration in protein function relative to the wild-type (PMID:27657681). It is absent or not present at a significant frequency in gnomAD. In silico models predict that this variant is possibly or probably damaging. In conclusion, we classify GLA p.Leu311Phe (c.931C>T) as a pathogenic variant.

MVZ Martinsried, Medicover Genetics
Classification: Pathogenic for Fabry disease. Last evaluated: 2025-02-07. Review status: criteria provided, single submitter. Criteria: ACGS Guidelines, 2020. Collection method: clinical testing. Allele origin: unknown. Affected: yes. Observed: 1 heterozygote.

Literature cited by the submitters: PubMed 18387337 (cited by Genomenon, Inc); PubMed 39609713 (cited by Genomenon, Inc); PubMed 40692291 (cited by Genomenon, Inc); PubMed 27657681 (cited by Genomenon, Inc).

NM_000169.3(GLA):c.931C>T (p.Leu311Phe)

Genes: GLA (galactosidase alpha; minus strand), RPL36A-HNRNPH2 (RPL36A-HNRNPH2 readthrough; plus strand). Cytogenetic location: Xq22.1.
Variant type: single nucleotide variant.
Coding change: c.931C>T on transcript NM_000169.3 (MANE Select); coding-DNA position 931, C replaced by T.
Protein change: p.Leu311Phe; replaces leucine 311 with phenylalanine.
Molecular consequence: missense variant. On other transcripts: non-coding transcript variant (3), intron variant (2).
Genome position (GRCh38, 1-based): chrX:101,398,438, G>A on the plus strand (C>T on the coding strand, the complement: GLA is on the minus strand). VCF-style: chrX-101398438-G-A. GRCh37 (hg19) VCF-style: chrX-100653426-G-A.
Other names: c.1054C>T, p.Leu352Phe (NM_001406747.1); c.931C>T, p.Leu311Phe (NM_001406748.1); c.300+2981G>A (NM_001199973.2); c.177+6616G>A (NM_001199974.2); short protein forms L311F, L352F.
Identifiers: ClinVar variation 3777728 (VCV003777728.3), dbSNP rs869312449.